The following is an entry in ClinVar:

ClinVar aggregate classification (germline): Uncertain significance (1 of 4 stars; one submission).

Conditions:
Brugada syndrome 8 (BRGDA8). Identifiers: Orphanet 130, MedGen C2751083, MONDO:0013148, OMIM 613123.

Allele frequency attached by ClinVar (database versions not stated): gnomAD 0.00001.
gnomAD v4.1: 11 of 1,610,810 alleles (0.00068%); highest among the groups gnomAD compares: South Asian, 0.011%; no homozygotes.

Submission:

Labcorp Genetics (formerly Invitae), Labcorp
Classification: Uncertain significance for Brugada syndrome 8. Last evaluated: 2025-10-28. Review status: criteria provided, single submitter. Criteria: Invitae Variant Classification Sherloc (09022015). Collection method: clinical testing. Allele origin: germline.
Comment: This sequence change replaces leucine, which is neutral and non-polar, with phenylalanine, which is neutral and non-polar, at codon 1167 of the HCN4 protein (p.Leu1167Phe). This variant is present in population databases (no rsID available, gnomAD 0.02%). This variant has not been reported in the literature in individuals affected with HCN4-related conditions. ClinVar contains an entry for this variant (Variation ID: 1063007). Invitae Evidence Modeling of protein sequence and biophysical properties (such as structural, functional, and spatial information, amino acid conservation, physicochemical variation, residue mobility, and thermodynamic stability) indicates that this missense variant is not expected to disrupt HCN4 protein function with a negative predictive value of 95%. In summary, the available evidence is currently insufficient to determine the role of this variant in disease. Therefore, it has been classified as a Variant of Uncertain Significance.

NM_005477.3(HCN4):c.3501G>C (p.Leu1167Phe)

Gene: HCN4 (hyperpolarization activated cyclic nucleotide gated potassium channel 4; minus strand). Cytogenetic location: 15q24.1.
Variant type: single nucleotide variant.
Coding change: c.3501G>C on transcript NM_005477.3 (MANE Select); coding-DNA position 3501, G replaced by C.
Protein change: p.Leu1167Phe; replaces leucine 1167 with phenylalanine.
Molecular consequence: missense variant.
Genome position (GRCh38, 1-based): chr15:73,322,592, C>G on the plus strand (G>C on the coding strand, the complement: HCN4 is on the minus strand). VCF-style: chr15-73322592-C-G. GRCh37 (hg19) VCF-style: chr15-73614933-C-G.
Other names: short protein forms L1167F.
Identifiers: ClinVar variation 1063007 (VCV001063007.7), dbSNP rs756960444, ClinGen allele CA7648812.